The following is an entry in ClinVar:

ClinVar aggregate classification (germline): Uncertain significance (1 of 4 stars; one submission).

Allele frequency attached by ClinVar (database versions not stated): gnomAD 0.00001; TOPMed 0.00002.
gnomAD v4.1: 7 of 1,608,968 alleles (0.00044%); highest among the groups gnomAD compares: East Asian, 0.0022%; no homozygotes.

Submission:

Labcorp Genetics (formerly Invitae), Labcorp
Classification: Uncertain significance. Last evaluated: 2023-08-28. Review status: criteria provided, single submitter. Criteria: Invitae Variant Classification Sherloc (09022015). Collection method: clinical testing. Allele origin: germline.
Comment: In summary, the available evidence is currently insufficient to determine the role of this variant in disease. Therefore, it has been classified as a Variant of Uncertain Significance. Advanced modeling of protein sequence and biophysical properties (such as structural, functional, and spatial information, amino acid conservation, physicochemical variation, residue mobility, and thermodynamic stability) performed at Invitae indicates that this missense variant is expected to disrupt MYH7B protein function. This variant has not been reported in the literature in individuals affected with MYH7B-related conditions. This variant is not present in population databases (gnomAD no frequency). This sequence change replaces arginine, which is basic and polar, with cysteine, which is neutral and slightly polar, at codon 1929 of the MYH7B protein (p.Arg1929Cys).

NM_020884.7(MYH7B):c.5659C>T (p.Arg1887Cys)

Gene: MYH7B (myosin heavy chain 7B; plus strand). Cytogenetic location: 20q11.22.
Variant type: single nucleotide variant.
Coding change: c.5659C>T on transcript NM_020884.7 (MANE Select); coding-DNA position 5659, C replaced by T.
Protein change: p.Arg1887Cys; replaces arginine 1887 with cysteine.
Molecular consequence: missense variant.
Genome position (GRCh38, 1-based): chr20:35,001,509, C>T. VCF-style: chr20-35001509-C-T. GRCh37 (hg19) VCF-style: chr20-33589312-C-T.
Other names: short protein forms R1887C.
Identifiers: ClinVar variation 2898875 (VCV002898875.3), dbSNP rs1257507102, ClinGen allele CA408720367.